The following is an entry in ClinVar:

NM_005228.5(EGFR):c.2466A>G (p.Ala822=)

Genes: EGFR (epidermal growth factor receptor; plus strand), EGFR-AS1 (EGFR antisense RNA 1; minus strand). Cytogenetic location: 7p11.2.
Variant type: single nucleotide variant.
Coding change: c.2466A>G on transcript NM_005228.5 (MANE Select); coding-DNA position 2466, A replaced by G.
Protein change: p.Ala822=; no amino-acid change (alanine 822 retained).
Molecular consequence: synonymous variant. On other transcripts: non-coding transcript variant (1).
Genome position (GRCh38, 1-based): chr7:55,181,475, A>G. VCF-style: chr7-55181475-A-G. GRCh37 (hg19) VCF-style: chr7-55249168-A-G.
Other names: c.2331A>G, p.Ala777= (NM_001346897.2, NM_001346899.2); c.2466A>G, p.Ala822= (NM_001346898.2); c.2307A>G, p.Ala769= (NM_001346900.2); c.1665A>G, p.Ala555= (NM_001346941.2).
Identifiers: ClinVar variation 3507149 (VCV003507149.2).
Genomic context (GRCh38, chr7:55,181,475, plus strand): 5'-CCGGGAACACAAAGACAATATTGGCTCCCAGTACCTGCTCAACTGGTGTGTGCAGATCGC[A>G]AAGGTAATCAGGGAAGGGAGATACGGGGAGGGGAGATAAGGAGCCAGGATCCTCACATGC-3'
Protein context (NP_005219.2, residues 812-832): QYLLNWCVQI[Ala822=]KGMNYLEDRR

ClinVar aggregate classification (germline): Benign/Likely benign. Review status: criteria provided, multiple submitters, no conflicts (2 of 4 stars). 2 submissions from 2 submitters: Benign (1); Likely benign (1). Last evaluated 2024-10-16.

Conditions:
Lung cancer. Also called: Lung cancer, somatic; Malignant tumor of lung. Identifiers: MedGen C0242379, MONDO:0008903, OMIM 211980.
Hereditary cancer-predisposing syndrome. Also called: Tumor predisposition; Neoplastic Syndromes, Hereditary; Hereditary Cancer Syndrome; Hereditary neoplastic syndrome. Identifiers: Orphanet 140162, MedGen C0027672, MeSH D009386, MONDO:0015356.

gnomAD v4.1: 2 of 1,614,096 alleles (0.00012%); highest among the groups gnomAD compares: African/African-American, 0.0027%; no homozygotes.

Submissions (2):

Myriad Genetics, Inc.
Classification: Benign for Lung cancer. Last evaluated: 2024-10-16. Review status: criteria provided, single submitter. Criteria: Myriad Autosomal Dominant, Autosomal Recessive and X-Linked Classification Criteria (2023). Collection method: clinical testing. Allele origin: unknown.
Comment: This variant is considered benign. This variant is a silent/synonymous amino acid change and it is not expected to impact splicing.

Ambry Genetics
Classification: Likely benign for Hereditary cancer-predisposing syndrome. Last evaluated: 2024-09-05. Review status: criteria provided, single submitter. Criteria: Ambry Variant Classification Scheme 2023. Collection method: clinical testing. Allele origin: germline.